The following is an entry in ClinVar:

ClinVar aggregate classification (germline): Uncertain significance. Review status: criteria provided, multiple submitters, no conflicts (2 of 4 stars). 2 submissions from 2 submitters: Uncertain significance (2). Last evaluated 2025-02-25.

Conditions:
Fanconi anemia complementation group O. Also called: RAD51C-Related Fanconi Anemia. Identifiers: Orphanet 84, MedGen C3150653, MONDO:0013248, OMIM 613390.
Hereditary cancer-predisposing syndrome. Also called: Tumor predisposition; Neoplastic Syndromes, Hereditary; Hereditary Cancer Syndrome; Hereditary neoplastic syndrome. Identifiers: Orphanet 140162, MedGen C0027672, MeSH D009386, MONDO:0015356.

gnomAD v4.1: 5 of 1,612,752 alleles (0.00031%); highest among the groups gnomAD compares: Middle Eastern, 0.017%; no homozygotes.

Submissions (2):

Color Diagnostics, LLC DBA Color Health
Classification: Uncertain significance for Hereditary cancer-predisposing syndrome. Last evaluated: 2025-02-25. Review status: criteria provided, single submitter. Criteria: ACMG Guidelines, 2015. Collection method: clinical testing. Allele origin: germline.
Comment: This missense variant replaces aspartic acid with glutamic acid at codon 291 of the RAD51C protein. To our knowledge, functional studies have not been reported for this variant. This variant has been reported in individuals affected with breast cancer (PMID: 24800917, 36200007). This variant has not been identified in the general population by the Genome Aggregation Database (gnomAD). The available evidence is insufficient to determine the role of this variant in disease conclusively. Therefore, this variant is classified as a Variant of Uncertain Significance.

Labcorp Genetics (formerly Invitae), Labcorp
Classification: Uncertain significance for Fanconi anemia complementation group O. Last evaluated: 2022-10-20. Review status: criteria provided, single submitter. Criteria: Invitae Variant Classification Sherloc (09022015). Collection method: clinical testing. Allele origin: germline.
Comment: In summary, the available evidence is currently insufficient to determine the role of this variant in disease. Therefore, it has been classified as a Variant of Uncertain Significance. Advanced modeling of protein sequence and biophysical properties (such as structural, functional, and spatial information, amino acid conservation, physicochemical variation, residue mobility, and thermodynamic stability) performed at Invitae indicates that this missense variant is not expected to disrupt RAD51C protein function. This sequence change replaces aspartic acid, which is acidic and polar, with glutamic acid, which is acidic and polar, at codon 291 of the RAD51C protein (p.Asp291Glu). This variant is not present in population databases (gnomAD no frequency). This missense change has been observed in individual(s) with breast cancer (PMID: 24800917). ClinVar contains an entry for this variant (Variation ID: 490133).

Literature cited by the submitters: PubMed 24800917 (cited by Color Diagnostics, LLC DBA Color Health and Labcorp Genetics (formerly Invitae), Labcorp); PubMed 36200007 (cited by Color Diagnostics, LLC DBA Color Health).

NM_058216.3(RAD51C):c.873T>G (p.Asp291Glu)

Gene: RAD51C (RAD51 paralog C; plus strand). Cytogenetic location: 17q22.
Variant type: single nucleotide variant.
Coding change: c.873T>G on transcript NM_058216.3 (MANE Select); coding-DNA position 873, T replaced by G.
Protein change: p.Asp291Glu; replaces aspartic acid 291 with glutamic acid.
Molecular consequence: missense variant. On other transcripts: non-coding transcript variant (1).
Genome position (GRCh38, 1-based): chr17:58,720,781, T>G. VCF-style: chr17-58720781-T-G. GRCh37 (hg19) VCF-style: chr17-56798142-T-G.
Other names: short protein forms D291E.
Identifiers: ClinVar variation 490133 (VCV000490133.14), dbSNP rs1288802398, ClinGen allele CA400359601.